The following is an entry in ClinVar:

NM_022464.5(SIL1):c.454-6C>T

Gene: SIL1 (SIL1 nucleotide exchange factor; minus strand). Cytogenetic location: 5q31.2.
Variant type: single nucleotide variant.
Coding change: c.454-6C>T on transcript NM_022464.5 (MANE Select); 6 bases into the intron before coding-DNA position 454, C replaced by T.
Molecular consequence: intron variant.
Genome position (GRCh38, 1-based): chr5:139,026,998, G>A on the plus strand (C>T on the coding strand, the complement: SIL1 is on the minus strand). VCF-style: chr5-139026998-G-A. GRCh37 (hg19) VCF-style: chr5-138362687-G-A.
Other names: c.454-6C>T (NM_001037633.2).
Identifiers: ClinVar variation 351085 (VCV000351085.18), dbSNP rs58624842, ClinGen allele CA3432565.

ClinVar aggregate classification (germline): Benign/Likely benign. Review status: criteria provided, multiple submitters, no conflicts (2 of 4 stars). 4 submissions from 4 submitters: Benign (3); Likely benign (1). Last evaluated 2026-01-28.

Conditions:
Marinesco-Sjögren syndrome (MSS). Also called: Marinesco-Sjogren Syndrome; Marinesco-SjÃ¶gren syndrome. Identifiers: Orphanet 559, MedGen C0024814, MONDO:0009567, OMIM 248800.

Allele frequency attached by ClinVar (database versions not stated): ExAC 0.00190; gnomAD 0.00563 and 0.00601; TOPMed 0.00630; ESP Exome Variant Server 0.00661; 1000 Genomes Project 30x 0.00843.
gnomAD v4.1: 1,643 of 1,614,094 alleles (0.1%); highest among the groups gnomAD compares: African/African-American, 1.9%; 20 homozygotes.

Submissions (4):

Labcorp Genetics (formerly Invitae), Labcorp
Classification: Benign for Marinesco-Sjögren syndrome. Last evaluated: 2026-01-28. Review status: criteria provided, single submitter. Criteria: Invitae Variant Classification Sherloc (09022015). Collection method: clinical testing. Allele origin: germline.

Blueprint Genetics
Classification: Likely benign. Last evaluated: 2024-11-20. Review status: criteria provided, single submitter. Criteria: ACMG Guidelines, 2015. Collection method: clinical testing. Allele origin: germline.

GeneDx
Classification: Benign. Last evaluated: 2018-04-25. Review status: criteria provided, single submitter. Criteria: GeneDx Variant Classification Process June 2021. Collection method: clinical testing. Allele origin: germline. Affected: yes.

Illumina Laboratory Services, Illumina
Classification: Benign for Marinesco-Sjögren syndrome. Last evaluated: 2018-01-13. Review status: criteria provided, single submitter. Criteria: ICSL Variant Classification Criteria 13 December 2019. Collection method: clinical testing. Allele origin: germline.
Comment: This variant was observed in the ICSL laboratory as part of a predisposition screen in an ostensibly healthy population. It had not been previously curated by ICSL or reported in the Human Gene Mutation Database (HGMD: prior to June 1st, 2018), and was therefore a candidate for classification through an automated scoring system. Utilizing variant allele frequency, disease prevalence and penetrance estimates, and inheritance mode, an automated score was calculated to assess if this variant is too frequent to cause the disease. Based on the score and internal cut-off values, a variant classified as benign is not then subjected to further curation. The score for this variant resulted in a classification of benign for this disease.